The following is an entry in ClinVar:

NM_017882.3(CLN6):c.298-346G>T

Gene: CLN6 (CLN6 transmembrane ER protein; minus strand). Cytogenetic location: 15q23.
Variant type: single nucleotide variant.
Coding change: c.298-346G>T on transcript NM_017882.3 (MANE Select); 346 bases into the intron before coding-DNA position 298, G replaced by T.
Molecular consequence: intron variant.
Genome position (GRCh38, 1-based): chr15:68,212,209, C>A on the plus strand (G>T on the coding strand, the complement: CLN6 is on the minus strand). VCF-style: chr15-68212209-C-A. GRCh37 (hg19) VCF-style: chr15-68504547-C-A.
Identifiers: ClinVar variation 2429422 (VCV002429422.3), dbSNP rs2505410812, ClinGen allele CA2580089906.

ClinVar aggregate classification (germline): Uncertain significance (1 of 4 stars; one submission).

Submission:

Illumina Laboratory Services, Illumina
Classification: Uncertain significance. Last evaluated: 2022-11-11. Review status: criteria provided, single submitter. Criteria: ICSL CNVClassificationCriteria Aug2020. Collection method: clinical testing. Allele origin: unknown. Affected: yes.
Comment: The CLN6 c.298-346G>T variant occurs in an intron and results in the substitution of a guanine at nucleotide position c.298-346 with thymine and is predicted to result in splicing defects. To our knowledge, this variant has not been reported in the peer-reviewed literature. This variant is not found in version 2.1.1 or version 3.1.2 of the Genome Aggregation Database. The c.298-346G>T variant is predicted to result in a splice donor gain based on the SpliceAI splicing prediction algorithm (PMID: 30661751). Based on the available evidence, the c.298-346G>T variant is classified as a variant of uncertain significance for neuronal ceroid lipofuscinosis.